The following is an entry in ClinVar:

ClinVar aggregate classification (germline): Conflicting classifications of pathogenicity. Review status: criteria provided, conflicting classifications (1 of 4 stars). 2 submissions from 2 submitters: Uncertain significance (1); Likely benign (1). Last evaluated 2026-07-01.

Conditions:
Congenital contractural arachnodactyly (CCA). Also called: Beals-Hecht syndrome; Arthrogryposis, distal, type 9; BEALS SYNDROME. Identifiers: Orphanet 115, MedGen C0220668, MONDO:0007363, OMIM 121050.
Familial thoracic aortic aneurysm and aortic dissection (TAAD). Also called: Thoracic aortic aneurysms and dissections. Identifiers: Orphanet 91387, MedGen C4707243, MONDO:0019625.

Allele frequency attached by ClinVar (database versions not stated): gnomAD exomes below 0.00001; gnomAD 0.00002; TOPMed 0.00005.
gnomAD v4.1: 8 of 1,613,474 alleles (0.0005%); highest among the groups gnomAD compares: African/African-American, 0.011%; no homozygotes.

Submissions (2):

Ambry Genetics
Classification: Uncertain significance for Familial thoracic aortic aneurysm and aortic dissection. Last evaluated: 2026-07-01. Review status: criteria provided, single submitter. Criteria: Ambry Variant Classification Scheme 2023. Collection method: clinical testing. Allele origin: germline.
Comment: The p.F1991L variant (also known as c.5971T>C), located in coding exon 47 of the FBN2 gene, results from a T to C substitution at nucleotide position 5971. The phenylalanine at codon 1991 is replaced by leucine, an amino acid with highly similar properties. This amino acid position is conserved. In addition, the in silico prediction for this alteration is inconclusive. Based on the available evidence, the clinical significance of this variant remains unclear.

Labcorp Genetics (formerly Invitae), Labcorp
Classification: Likely benign for Congenital contractural arachnodactyly. Last evaluated: 2023-12-19. Review status: criteria provided, single submitter. Criteria: Invitae Variant Classification Sherloc (09022015). Collection method: clinical testing. Allele origin: germline.

NM_001999.4(FBN2):c.5971T>C (p.Phe1991Leu)

Gene: FBN2 (fibrillin 2; minus strand). Cytogenetic location: 5q23.3.
Variant type: single nucleotide variant.
Coding change: c.5971T>C on transcript NM_001999.4 (MANE Select); coding-DNA position 5971, T replaced by C.
Protein change: p.Phe1991Leu; replaces phenylalanine 1991 with leucine.
Molecular consequence: missense variant.
Genome position (GRCh38, 1-based): chr5:128,301,457, A>G on the plus strand (T>C on the coding strand, the complement: FBN2 is on the minus strand). VCF-style: chr5-128301457-A-G. GRCh37 (hg19) VCF-style: chr5-127637149-A-G.
Other names: c.5971T>C (NM_001999.3); short protein forms F1991L.
Identifiers: ClinVar variation 2738480 (VCV002738480.4), dbSNP rs1275905935, ClinGen allele CA360766808.